The following is an entry in ClinVar:

NM_015100.4(POGZ):c.2865T>G (p.Pro955=)

Gene: POGZ (pogo transposable element derived with ZNF domain; minus strand). Cytogenetic location: 1q21.3.
Variant type: single nucleotide variant.
Coding change: c.2865T>G on transcript NM_015100.4 (MANE Select); coding-DNA position 2865, T replaced by G.
Protein change: p.Pro955=; no amino-acid change (proline 955 retained).
Molecular consequence: synonymous variant.
Genome position (GRCh38, 1-based): chr1:151,406,170, A>C on the plus strand (T>G on the coding strand, the complement: POGZ is on the minus strand). VCF-style: chr1-151406170-A-C. GRCh37 (hg19) VCF-style: chr1-151378646-A-C.
Other names: c.2838T>G, p.Pro946= (NM_001194937.2); c.2679T>G, p.Pro893= (NM_001194938.2); c.2886T>G, p.Pro962= (NM_001410860.1); c.2580T>G, p.Pro860= (NM_145796.4); c.2706T>G, p.Pro902= (NM_207171.2).
Identifiers: ClinVar variation 3025574 (VCV003025574.22), dbSNP rs2529209146, ClinGen allele CA420910022.

ClinVar aggregate classification (germline): Likely benign (1 of 4 stars; one submission).

Submission:

CeGaT Center for Human Genetics Tuebingen
Classification: Likely benign. Last evaluated: 2024-02-01. Review status: criteria provided, single submitter. Criteria: CeGaT Center For Human Genetics Tuebingen Variant Classification Criteria Version 2. Collection method: clinical testing. Allele origin: germline. Affected: yes. Observed: 1 variant allele.
Comment: POGZ: PM2:Supporting, BP4, BP7